The following is an entry in ClinVar:

NM_001375567.1(FOCAD):c.1686G>A (p.Gln562=)

Gene: FOCAD (focadhesin; plus strand). Cytogenetic location: 9p21.3.
Variant type: single nucleotide variant.
Coding change: c.1686G>A on transcript NM_001375567.1 (MANE Select); coding-DNA position 1686, G replaced by A.
Protein change: p.Gln562=; no amino-acid change (glutamine 562 retained).
Molecular consequence: synonymous variant.
Genome position (GRCh38, 1-based): chr9:20,820,964, G>A. VCF-style: chr9-20820964-G-A. GRCh37 (hg19) VCF-style: chr9-20820963-G-A.
Other names: c.1581G>A, p.Gln527= (NM_001375568.1, NM_001375570.1); c.1686G>A, p.Gln562= (NM_017794.5).
Identifiers: ClinVar variation 3058192 (VCV003058192.2), dbSNP rs767167249, ClinGen allele CA5006823.

ClinVar aggregate classification (germline): Likely benign (0 of 4 stars; one submission).

Conditions:
FOCAD-related disorder. Also called: FOCAD-related condition.

Allele frequency attached by ClinVar (database versions not stated): gnomAD exomes 0.00001; ExAC 0.00002.
gnomAD v4.1: 6 of 1,612,632 alleles (0.00037%); highest among the groups gnomAD compares: Admixed American, 0.0083%; no homozygotes.

Submission:

PreventionGenetics, part of Exact Sciences
Classification: Likely benign for FOCAD-related condition. Last evaluated: 2019-04-23. Review status: no assertion criteria provided. Collection method: clinical testing. Allele origin: germline.
Comment: This variant is classified as likely benign based on ACMG/AMP sequence variant interpretation guidelines (Richards et al. 2015 PMID: 25741868, with internal and published modifications).